The following is an entry in ClinVar:

ClinVar aggregate classification (germline): Likely benign (1 of 4 stars; one submission).

Conditions:
Multiple endocrine neoplasia type 2A. Also called: Multiple Endocrine Neoplasia Type 2A (MEN2A); MULTIPLE ENDOCRINE NEOPLASIA, TYPE IIA; PTC SYNDROME; SIPPLE SYNDROME; MEN 2A; MEN-2A syndrome. Identifiers: Orphanet 247698, Orphanet 653, MedGen C0025268, MeSH D018813, MONDO:0008234, OMIM 171400.

Submission:

Myriad Genetics, Inc.
Classification: Likely benign for Multiple endocrine neoplasia type 2A. Last evaluated: 2025-02-27. Review status: criteria provided, single submitter. Criteria: Myriad Autosomal Dominant, Autosomal Recessive and X-Linked Classification Criteria (2023). Collection method: clinical testing. Allele origin: unknown.
Comment: This variant is considered likely benign. This variant is intronic and is not expected to impact mRNA splicing.

NM_020975.6(RET):c.2608-7C>T

Gene: RET (ret proto-oncogene; plus strand). Cytogenetic location: 10q11.21.
Variant type: single nucleotide variant.
Coding change: c.2608-7C>T on transcript NM_020975.6 (MANE Select); 7 bases into the intron before coding-DNA position 2608, C replaced by T.
Molecular consequence: intron variant.
Genome position (GRCh38, 1-based): chr10:43,120,074, C>T. VCF-style: chr10-43120074-C-T. GRCh37 (hg19) VCF-style: chr10-43615522-C-T.
Other names: c.1882-7C>T (NM_001406776.1, NM_001406777.1, NM_001406778.1 and 1 more transcripts); c.1618-7C>T (NM_001406784.1); c.1159-7C>T (NM_001406794.1, NM_001406792.1, NM_001406793.1); c.1846-7C>T (NM_001355216.2); c.1423-7C>T (NM_001406788.1, NM_001406789.1, NM_001406790.1); c.1303-7C>T (NM_001406791.1); c.2608-7C>T (NM_020630.7, NM_001406743.1, NM_001406744.1 and 2 more transcripts); c.2473-7C>T (NM_001406765.1, NM_001406763.1); and 10 more.
Identifiers: ClinVar variation 3904622 (VCV003904622.1).